The following is an entry in ClinVar:

NM_001040142.2(SCN2A):c.268-8T>C

Gene: SCN2A (sodium voltage-gated channel alpha subunit 2; plus strand). Cytogenetic location: 2q24.3.
Variant type: single nucleotide variant.
Coding change: c.268-8T>C on transcript NM_001040142.2 (MANE Select); 8 bases into the intron before coding-DNA position 268, T replaced by C.
Molecular consequence: intron variant.
Genome position (GRCh38, 1-based): chr2:165,297,009, T>C. VCF-style: chr2-165297009-T-C. GRCh37 (hg19) VCF-style: chr2-166153519-T-C.
Other names: c.268-8T>C (NM_001040143.2, NM_001371246.1, NM_001371247.1 and 1 more transcripts).
Identifiers: ClinVar variation 4786912 (VCV004786912.1).
Genomic context (GRCh38, chr2:165,297,009, plus strand): 5'-CTTTTCTCTTAAAATATTCTTAATATATATTCTAAGTTTTATTTTATGTGTTGTGTTTTC[T>C]TTTTCAGACGTTTATAGTATTGAATAAAGGGAAAGCAATCTCTCGATTCAGTGCCACCCC-3'

ClinVar aggregate classification (germline): Uncertain significance (1 of 4 stars; one submission).

Conditions:
Developmental and epileptic encephalopathy, 11 (DEE11). Also called: Early infantile epileptic encephalopathy 11. Identifiers: Orphanet 1934, MedGen C3150987, MONDO:0013388, OMIM 613721.
Seizures, benign familial infantile, 3 (BFIS3). Also called: CONVULSIONS, BENIGN FAMILIAL INFANTILE, 3; Familial neonatal seizures. Identifiers: Orphanet 140927, Orphanet 306, MedGen C1843140, MONDO:0011904, OMIM 607745.

Submission:

Labcorp Genetics (formerly Invitae), Labcorp
Classification: Uncertain significance for Seizures, benign familial infantile, 3; Developmental and epileptic encephalopathy, 11. Last evaluated: 2025-12-03. Review status: criteria provided, single submitter. Criteria: Invitae Variant Classification Sherloc (09022015). Collection method: clinical testing. Allele origin: germline.
Comment: This sequence change falls in intron 2 of the SCN2A gene. It does not directly change the encoded amino acid sequence of the SCN2A protein. This variant is not present in population databases (gnomAD no frequency). This variant has not been reported in the literature in individuals affected with SCN2A-related conditions. Algorithms developed to predict the effect of sequence changes on RNA splicing suggest that this variant may disrupt the consensus splice site. In summary, the available evidence is currently insufficient to determine the role of this variant in disease. Therefore, it has been classified as a Variant of Uncertain Significance.